The following is an entry in ClinVar:

ClinVar aggregate classification (germline): Uncertain significance (1 of 4 stars; one submission).

Conditions:
Primary ciliary dyskinesia. Also called: Ciliary dyskinesia. Identifiers: Orphanet 244, MedGen C0008780, MONDO:0016575, HP:0012265.

Submission:

Labcorp Genetics (formerly Invitae), Labcorp
Classification: Uncertain significance for Primary ciliary dyskinesia. Last evaluated: 2025-04-02. Review status: criteria provided, single submitter. Criteria: Invitae Variant Classification Sherloc (09022015). Collection method: clinical testing. Allele origin: germline.
Comment: This sequence change falls in intron 42 of the DNAH8 gene. It does not directly change the encoded amino acid sequence of the DNAH8 protein. It affects a nucleotide within the consensus splice site. This variant is not present in population databases (gnomAD no frequency). This variant has not been reported in the literature in individuals affected with DNAH8-related conditions. Variants that disrupt the consensus splice site are a relatively common cause of aberrant splicing (PMID: 17576681, 9536098). Algorithms developed to predict the effect of sequence changes on RNA splicing suggest that this variant may disrupt the consensus splice site. In summary, the available evidence is currently insufficient to determine the role of this variant in disease. Therefore, it has been classified as a Variant of Uncertain Significance.

Literature cited by the submitters: PubMed 17576681; PubMed 9536098.

NM_001206927.2(DNAH8):c.5958+4_5958+8del

Gene: DNAH8 (dynein axonemal heavy chain 8; plus strand). Cytogenetic location: 6p21.2.
Variant type: Deletion.
Coding change: c.5958+4_5958+8del on transcript NM_001206927.2 (MANE Select); bases 4 to 8 of the intron after coding-DNA position 5958, 5 bases deleted (AGGTA; older notation c.5958+4_5958+8delAGGTA).
Molecular consequence: splice donor variant.
Genome position (GRCh38, 1-based): chr6:38,857,746-38,857,750, AGGTA deleted; deleting any 5 consecutive bases within chr6:38,857,742-38,857,750 gives the same sequence; the c. name uses the placement nearest the transcript's 3' end. VCF-style (leftmost placement, unchanged base first): chr6-38857741-TGGTAA-T. GRCh37 (hg19) VCF-style: chr6-38825517-TGGTAA-T.
Other names: c.5307+4_5307+8del (NM_001371.4).
Identifiers: ClinVar variation 4695792 (VCV004695792.1).
Genomic context (GRCh38, chr6:38,857,741, plus strand): 5'-GAGTGAAGTTCGAGACTCTAATTACCATCCATGTGCATCAGAGAGATATTTTTGATGACT[TGGTAA>T]GGTATCTTTTTTTTTAATTTAGTGTACTAACTAATAATGAACAGCTAAGAATTGTATATG-3'